The following is an entry in ClinVar:

ClinVar aggregate classification (germline): Uncertain significance (1 of 4 stars; one submission).

Submission:

Labcorp Genetics (formerly Invitae), Labcorp
Classification: Uncertain significance. Last evaluated: 2022-03-23. Review status: criteria provided, single submitter. Criteria: Invitae Variant Classification Sherloc (09022015). Collection method: clinical testing. Allele origin: germline.
Comment: This sequence change results in a frameshift in the EXOSC9 gene (p.Lys451Argfs*41). While this is not anticipated to result in nonsense mediated decay, it is expected to disrupt the last 6 amino acid(s) of the EXOSC9 protein and extend the protein by 34 additional amino acid residues. In summary, the available evidence is currently insufficient to determine the role of this variant in disease. Therefore, it has been classified as a Variant of Uncertain Significance. Experimental studies and prediction algorithms are not available or were not evaluated, and the functional significance of this variant is currently unknown. This variant has not been reported in the literature in individuals affected with EXOSC9-related conditions. This variant is not present in population databases (gnomAD no frequency).

NM_005033.3(EXOSC9):c.1301del (p.Lys434fs)

Genes: CCNA2 (cyclin A2; minus strand), EXOSC9 (exosome component 9; plus strand). Cytogenetic location: 4q27.
Variant type: Deletion.
Coding change: c.1301del on transcript NM_005033.3 (MANE Select); coding-DNA position 1301, one base deleted (A; older notation c.1301delA).
Protein change: p.Lys434fs; shifts the reading frame from lysine 434.
Molecular consequence: frameshift variant. On other transcripts: 3 prime UTR variant (1).
Genome position (GRCh38, 1-based): chr4:121,816,837, A deleted; the last of 6 consecutive A bases (chr4:121,816,832-121,816,837); deleting any one gives the same sequence. VCF-style (leftmost placement, unchanged base first): chr4-121816831-GA-G. GRCh37 (hg19) VCF-style: chr4-122737986-GA-G.
Other names: c.1352del, p.Lys451fs (NM_001034194.2); c.*806del (NM_001237.5); short protein forms K434fs, K451fs.
Identifiers: ClinVar variation 2112128 (VCV002112128.4), dbSNP rs778497334, ClinGen allele CA3063714.
Genomic context (GRCh38, chr4:121,816,831, plus strand): 5'-GAACACAGACCACCAGTGCAAAACAAGAAAAAGCACCAAGTAAAAAGCCAGTGAAAAGAA[GA>G]AAAAAGAAGAGAGCTGCCAATTAAAGCTAACAGTTGTATATCTGTATATATAACTATTAA-3'